The following is an entry in ClinVar:

NM_003060.4(SLC22A5):c.505C>T (p.Arg169Trp)

Gene: SLC22A5 (solute carrier family 22 member 5; plus strand). Cytogenetic location: 5q31.1.
Variant type: single nucleotide variant.
Coding change: c.505C>T on transcript NM_003060.4 (MANE Select); coding-DNA position 505, C replaced by T.
Protein change: p.Arg169Trp; replaces arginine 169 with tryptophan.
Molecular consequence: missense variant.
Genome position (GRCh38, 1-based): chr5:132,384,154, C>T. VCF-style: chr5-132384154-C-T. GRCh37 (hg19) VCF-style: chr5-131719846-C-T.
Other names: c.577C>T, p.Arg193Trp (NM_001308122.2); short protein forms R169W, R193W.
Identifiers: ClinVar variation 6422 (VCV000006422.36), dbSNP rs121908890, ClinGen allele CA340585.

ClinVar aggregate classification (germline): Pathogenic/Likely pathogenic. Review status: criteria provided, multiple submitters, no conflicts (2 of 4 stars). 11 submissions from 11 submitters: Pathogenic (7); Likely pathogenic (2). 2 of the submissions do not count toward it. Last evaluated 2026-01-23.

Conditions:
Carnitine deficiency. Identifiers: MedGen C1142132.
SLC22A5-related disorder. Also called: SLC22A5-related condition.
Renal carnitine transport defect (CDSP). Also called: Systemic primary carnitine deficiency disease; Carnitine transporter deficiency; Carnitine Deficiency, Systemic; CARNITINE DEFICIENCY, SYSTEMIC, DUE TO DEFECT IN RENAL REABSORPTION OF CARNITINE; CARNITINE TRANSPORTER, PLASMA-MEMBRANE, DEFICIENCY OF; CARNITINE UPTAKE DEFECT. Identifiers: Orphanet 158, MedGen C0342788, MONDO:0008919, OMIM 212140.

Allele frequency attached by ClinVar (database versions not stated): gnomAD exomes 0.00003 and below 0.00001; ExAC 0.00001; TOPMed 0.00002.
gnomAD v4.1: 36 of 1,614,194 alleles (0.0022%); highest among the groups gnomAD compares: Middle Eastern, 0.016%; no homozygotes.

Submissions (11):

3billion
Classification: Pathogenic for Renal carnitine transport defect. Last evaluated: 2026-01-23. Review status: criteria provided, single submitter. Criteria: ACMG Guidelines, 2015. Collection method: clinical testing. Allele origin: germline. Affected: yes.
Comment: The variant is observed at an extremely low frequency in the gnomAD v4.1.0 dataset (total allele frequency: 0.002%). Predicted Consequence/Location: Missense variant In silico tool predictions suggest damaging effect of the variant on gene or gene product [REVEL: 0.89 (>=0.6, sensitivity 0.68 and specificity 0.92); 3Cnet: 0.99 (> 0.75, sensitivity 0.96 and precision 0.92)]. The same nucleotide change resulting in the same amino acid change has been previously reported as pathogenic/likely pathogenic with strong evidence (ClinVar ID: VCV000006422 /PMID: 11058897). Different missense changes at the same codon (p.Arg169Gln, p.Arg169Pro) have been reported as pathogenic/likely pathogenic with strong evidence (ClinVar ID: VCV000006421, VCV000945707 /PMID: 10425211, 28841266 /3billion dataset). Therefore, this variant is classified as Pathogenic according to the recommendation of ACMG/AMP guideline.

Labcorp Genetics (formerly Invitae), Labcorp
Classification: Pathogenic for Renal carnitine transport defect. Last evaluated: 2025-07-15. Review status: criteria provided, single submitter. Criteria: Invitae Variant Classification Sherloc (09022015). Collection method: clinical testing. Allele origin: germline.
Comment: This sequence change replaces arginine, which is basic and polar, with tryptophan, which is neutral and slightly polar, at codon 169 of the SLC22A5 protein (p.Arg169Trp). This variant is present in population databases (rs121908890, gnomAD 0.0009%). This missense change has been observed in individuals with carnitine deficiency. Cultured skin fibroblasts collected from these individuals showed low carnitine uptake levels (PMID: 11058897, 12210323, 23090741, 28841266). ClinVar contains an entry for this variant (Variation ID: 6422). Invitae Evidence Modeling of protein sequence and biophysical properties (such as structural, functional, and spatial information, amino acid conservation, physicochemical variation, residue mobility, and thermodynamic stability) indicates that this missense variant is expected to disrupt SLC22A5 protein function with a positive predictive value of 95%. Experimental studies have shown that this missense change affects SLC22A5 function (PMID: 11058897). This variant disrupts the p.Arg169 amino acid residue in SLC22A5. Other variant(s) that disrupt this residue have been determined to be pathogenic (PMID: 10425211, 20574985, 23090741). This suggests that this residue is clinically significant, and that variants that disrupt this residue are likely to be disease-causing. For these reasons, this variant has been classified as Pathogenic.

Natera, Inc.
Classification: Pathogenic for Carnitine deficiency. Last evaluated: 2025-02-14. Review status: criteria provided, single submitter. Criteria: Natera Variant Classification Schema (03/2026). Collection method: clinical testing. Allele origin: germline.
Comment: The c.505C>T variant in SLC22A5 is a missense variant predicted to cause substitution of arginine to tryptophan at amino acid 169. This variant is rare in the general population with a frequency below the threshold expected for the associated phenotype(s). This variant has been observed in one or more individuals affected with the associated recessive disease, as either homozygous or compound heterozygous with a second variant (PMID: 12210323, 25132046, 28841266). Computational prediction algorithms indicate this variant is likely to affect gene or protein function. Given the available evidence, this variant is classified as Pathogenic.

Fulgent Genetics
Classification: Pathogenic for Renal carnitine transport defect. Last evaluated: 2024-06-10. Review status: criteria provided, single submitter. Criteria: ACMG Guidelines, 2015. Collection method: clinical testing. Allele origin: germline.

Revvity Omics, Revvity
Classification: Pathogenic for Renal carnitine transport defect. Last evaluated: 2024-03-28. Review status: criteria provided, single submitter. Criteria: ACMG Guidelines, 2015. Collection method: clinical testing. Allele origin: germline.

Blueprint Genetics
Classification: Likely pathogenic for SLC22A5-related disorders. Last evaluated: 2024-01-23. Review status: criteria provided, single submitter. Criteria: ACMG Guidelines, 2015. Collection method: clinical testing. Allele origin: germline. Affected: yes. Observed: 3 variant alleles.

Genome-Nilou Lab
Classification: Likely pathogenic for Renal carnitine transport defect. Last evaluated: 2021-07-15. Review status: criteria provided, single submitter. Criteria: ACMG Guidelines, 2015. Collection method: clinical testing. Allele origin: germline. Affected: no.

ARUP Laboratories, Molecular Genetics and Genomics, ARUP Laboratories
Classification: Pathogenic for Renal carnitine transport defect. Last evaluated: 2019-08-01. Review status: criteria provided, single submitter. Criteria: ARUP Molecular Germline Variant Investigation Process. Collection method: clinical testing. Allele origin: germline.
Comment: The SLC22A5 c.505C>T; p.Arg169Trp variant (rs121908890) is reported in the literature in multiple individuals affected with primary carnitine deficiency (PCD), either in the homozygous state or in compound heterozygotes carrying a second pathogenic variant (Frigeni 2017, Lamhonwah 2002, Wang 2000). This variant is found on a single chromosome in the Genome Aggregation Database (1/251448 alleles), indicating it is not a common polymorphism. The arginine at codon 169 is highly conserved and is located in the glucose transporter signature motif implicated in transport activity (Wang 2000, Lamhonwah 2002). Consistent with this, functional studies indicate that the p.Arg169Trp variant exhibits substantially reduced carnitine transport activity in cultured cells and homozygous patient fibroblasts (Frigeni 2017, Wang 2000). Additionally, other amino acid substitutions at this codon (p.Arg169Gln, p.Arg169Pro) have been reported in individuals with PCD and are considered disease-causing (Frigeni 2017, Burwinkel 1999). Based on available information, the p.Arg169Trp variant is considered to be pathogenic. References: Burwinkel B et al. Carnitine transporter OCTN2 mutations in systemic primary carnitine deficiency: a novel Arg169Gln mutation and a recurrent Arg282ter mutation associated with an unconventional splicing abnormality. Biochem Biophys Res Commun. 1999 Aug 2;261(2):484-7. Frigeni M et al. Functional and molecular studies in primary carnitine deficiency. Hum Mutat. 2017 Dec;38(12):1684-1699. Lamhonwah AM et al. Novel OCTN2 mutations: no genotype-phenotype correlations: early carnitine therapy prevents cardiomyopathy. Am J Med Genet. 2002 Aug 15;111(3):271-84. Wang Y et al. Functional analysis of mutations in the OCTN2 transporter causing primary carnitine deficiency: lack of genotype-phenotype correlation. Hum Mutat. 2000 Nov;16(5):401-7.

Women's Health and Genetics/Laboratory Corporation of America, LabCorp
Classification: Pathogenic for Renal carnitine transport defect. Last evaluated: 2018-04-20. Review status: criteria provided, single submitter. Criteria: LabCorp Variant Classification Summary - May 2015. Collection method: clinical testing. Allele origin: germline.
Comment: Variant summary: SLC22A5 c.505C>T (p.Arg169Trp) results in a non-conservative amino acid change located in the Major facilitator superfamily domain of the encoded protein sequence. Five of five in-silico tools predict a damaging effect of the variant on protein function. The variant was observed with an allele frequency of 4.1e-06 in 246214 control chromosomes (gnomAD). The variant, c.505C>T, has been reported in the literature in multiple individuals affected with Systemic Primary Carnitine Deficiency (Frigeni_2017, Han_2014, Li_2010). Reported patients were found to have a significantly decreased transport activity (Frigeni_2017). A ClinVar submission from a clinical diagnostic laboratory (evaluation after 2014) cites the variant as "pathogenic." Based on the evidence outlined above, the variant was classified as pathogenic.

Counsyl
Classification: Likely pathogenic for Renal carnitine transport defect. Last evaluated: 2014-07-18. Review status: no assertion criteria provided. Collection method: literature only. Allele origin: unknown. Inheritance: Autosomal recessive inheritance. Not counted in ClinVar's aggregate classification.

OMIM
Classification: Pathogenic for CARNITINE DEFICIENCY, SYSTEMIC PRIMARY. Last evaluated: 2000-11-01. Review status: no assertion criteria provided. Collection method: literature only. Allele origin: germline. Not counted in ClinVar's aggregate classification.

Literature cited by the submitters: PubMed 10425211 (cited by 3billion and Labcorp Genetics (formerly Invitae), Labcorp); PubMed 11058897 (cited by 4 submitters); PubMed 12210323 (cited by 3 submitters); PubMed 23090741 (cited by Labcorp Genetics (formerly Invitae), Labcorp); PubMed 28841266 (cited by 3 submitters); PubMed 20574985 (cited by 3 submitters); PubMed 25132046 (cited by Natera, Inc. and Women's Health and Genetics/Laboratory Corporation of America, LabCorp); PubMed 21922592 (cited by Counsyl); PubMed 16652335 (cited by Counsyl).